The following is an entry in ClinVar:

ClinVar aggregate classification (germline): Uncertain significance. Review status: criteria provided, multiple submitters, no conflicts (2 of 4 stars). 2 submissions from 2 submitters: Uncertain significance (2). Last evaluated 2025-12-20.

Conditions:
Hereditary cancer-predisposing syndrome. Also called: Tumor predisposition; Hereditary Cancer Syndrome; Neoplastic Syndromes, Hereditary; Hereditary neoplastic syndrome. Identifiers: Orphanet 140162, MedGen C0027672, MeSH D009386, MONDO:0015356.
Rhabdoid tumor predisposition syndrome 2 (RTPS2). Identifiers: Orphanet 231108, Orphanet 69077, MedGen C2750074, MONDO:0013224, OMIM 613325.

Submissions (2):

Labcorp Genetics (formerly Invitae), Labcorp
Classification: Uncertain significance for Rhabdoid tumor predisposition syndrome 2. Last evaluated: 2025-12-20. Review status: criteria provided, single submitter. Criteria: Invitae Variant Classification Sherloc (09022015). Collection method: clinical testing. Allele origin: germline.
Comment: This sequence change creates a premature translational stop signal (p.Gly1394Glnfs*101) in the SMARCA4 gene. Loss-of-function variants in SMARCA4 are known to be pathogenic (PMID: 24658001, 24658002). However, tissue-specific alternative splicing of SMARCA4 gene results in functional isoforms lacking in-frame exon 30 (also known as exon 28B, PMID: 18437052). For this reason the clinical significance of loss of function variants in exon 30 is currently uncertain. This variant is not present in population databases (gnomAD no frequency). This premature translational stop signal has been observed in individual(s) with epthelial ovarian cancer (PMID: 29204511). In summary, the available evidence is currently insufficient to determine the role of this variant in disease. Therefore, it has been classified as a Variant of Uncertain Significance.

Ambry Genetics
Classification: Uncertain significance for Hereditary cancer-predisposing syndrome. Last evaluated: 2025-12-17. Review status: criteria provided, single submitter. Criteria: Ambry Variant Classification Scheme 2023. Collection method: clinical testing. Allele origin: germline.
Comment: The c.4180_4181delGGinsC variant, located in coding exon 29 of the SMARCA4 gene, results from the deletion of two nucleotides and insertion of one nucleotide causing a translational frameshift with a predicted alternate stop codon (p.G1394Qfs*101). This alteration is expected to result in premature protein truncation or nonsense-mediated mRNA decay. Loss-of-function variants in SMARCA4 are known to cause rhabdoid tumor predisposition syndrome including small cell carcinoma of the ovary-hypercalcemic type (SCCOHT); however, such associations with neurodevelopmental disorders are exceedingly rare (Kosho T et al. Am J Med Genet C Semin Med Genet. 2014 Sep;166C(3):262-75; Jelinic P et al. Nat Genet. 2014 May;46(5):424-6). However, this region of the SMARCA4 gene is excluded from other biologically relevant transcripts. Based on the supporting evidence, the association of this alteration with rhabdoid tumor predisposition syndrome is unknown; however, the association of this alteration with Coffin-Siris syndrome is unlikely.

Literature cited by the submitters: PubMed 24658001 (cited by Labcorp Genetics (formerly Invitae), Labcorp); PubMed 24658002 (cited by Labcorp Genetics (formerly Invitae), Labcorp); PubMed 29204511 (cited by Labcorp Genetics (formerly Invitae), Labcorp and Ambry Genetics).

NM_001387283.1(SMARCA4):c.4180_4181delinsC (p.Gly1394fs)

Gene: SMARCA4 (SWI/SNF related BAF chromatin remodeling complex subunit ATPase 4; plus strand). Cytogenetic location: 19p13.2.
Variant type: Indel.
Coding change: c.4180_4181delinsC on transcript NM_001387283.1 (MANE Plus Clinical); coding-DNA positions 4180 to 4181, GG replaced by C.
Protein change: p.Gly1394fs; shifts the reading frame from glycine 1394.
Molecular consequence: frameshift variant. On other transcripts: intron variant (7).
Genome position (GRCh38, 1-based): chr19:11,039,467-11,039,468, GG replaced by C. VCF-style: chr19-11039467-GG-C. GRCh37 (hg19) VCF-style: chr19-11150143-GG-C.
Other names: c.4180_4181delinsC, p.Gly1394fs (NM_001128849.3); c.4171-1840_4171-1839delinsC (NM_001128844.3, NM_003072.5); c.4072-1840_4072-1839delinsC (NM_001128847.4, NM_001374457.1, NM_001128848.2); c.4072-1831_4072-1830delinsC (NM_001128845.2, NM_001128846.2); short protein forms G1394fs.
Identifiers: ClinVar variation 480673 (VCV000480673.14), dbSNP rs1555787120, ClinGen allele CA658656779.